The following is an entry in ClinVar:

NM_001042492.3(NF1):c.7247_7304del (p.Leu2416fs)

Gene: NF1 (neurofibromin 1; plus strand). Cytogenetic location: 17q11.2.
Variant type: Deletion.
Coding change: c.7247_7304del on transcript NM_001042492.3 (MANE Select); coding-DNA positions 7247 to 7304, 58 bases deleted.
Protein change: p.Leu2416fs; shifts the reading frame from leucine 2416.
Molecular consequence: frameshift variant.
Genome position (GRCh38, 1-based): chr17:31,349,177-31,349,234, 58 bases deleted. GRCh37 (hg19): chr17:29,676,195-29,676,252.
Other names: c.7184_7241del58, p.Leu2395Profs (NM_000267.4); short protein forms L2416fs, L2395fs.
Identifiers: ClinVar variation 2001792 (VCV002001792.4), dbSNP rs2508801101, ClinGen allele CA2580093324.

ClinVar aggregate classification (germline): Pathogenic (1 of 4 stars; one submission).

Conditions:
Neurofibromatosis, type 1 (NF1). Also called: Neurofibromatosis, type I; Peripheral type neurofibromatosis; NEUROFIBROMATOSIS, TYPE I, SOMATIC; VON RECKLINGHAUSEN DISEASE. Identifiers: Orphanet 636, MedGen C0027831, MONDO:0018975, OMIM 162200. Disease mechanism: loss of function.

Submission:

Labcorp Genetics (formerly Invitae), Labcorp
Classification: Pathogenic for Neurofibromatosis, type 1. Last evaluated: 2022-06-01. Review status: criteria provided, single submitter. Criteria: Invitae Variant Classification Sherloc (09022015). Collection method: clinical testing. Allele origin: germline.
Comment: For these reasons, this variant has been classified as Pathogenic. This variant has not been reported in the literature in individuals affected with NF1-related conditions. This variant is not present in population databases (gnomAD no frequency). This sequence change creates a premature translational stop signal (p.Leu2395Profs*5) in the NF1 gene. It is expected to result in an absent or disrupted protein product. Loss-of-function variants in NF1 are known to be pathogenic (PMID: 10712197, 23913538).

Literature cited by the submitters: PubMed 10712197; PubMed 23913538.